The following is an entry in ClinVar:

NM_006363.6(SEC23B):c.1109+1G>C

Gene: SEC23B (SEC23 homolog B, COPII component; plus strand). Cytogenetic location: 20p11.23.
Variant type: single nucleotide variant.
Coding change: c.1109+1G>C on transcript NM_006363.6 (MANE Select); the canonical splice donor site of the intron after coding-DNA position 1109, G replaced by C.
Molecular consequence: splice donor variant.
Genome position (GRCh38, 1-based): chr20:18,527,612, G>C. VCF-style: chr20-18527612-G-C. GRCh37 (hg19) VCF-style: chr20-18508256-G-C.
Other names: c.1109+1G>C (NM_032986.5, NM_001172745.3, NM_032985.6); c.1055+1G>C (NM_001172746.3).
Identifiers: ClinVar variation 2951022 (VCV002951022.3), dbSNP rs772358387, ClinGen allele CA408360632.
Genomic context (GRCh38, chr20:18,527,612, plus strand): 5'-TGCTTGTGCCCTTGATCAAACTGGACTTTTGGAGATGAAGTGTTGTGCAAATCTTACTGG[G>C]TATGTTGACAGTGAAAACCTGGGCAGAGTGACAGTGTTATTTTAAGGAAAGAGAAATTAG-3'

ClinVar aggregate classification (germline): Likely pathogenic (1 of 4 stars; one submission).

Conditions:
Congenital dyserythropoietic anemia, type II (CDAN2). Also called: DYSERYTHROPOIETIC ANEMIA, HEMPAS TYPE. Identifiers: Orphanet 98873, MedGen C1306589, MONDO:0009134, OMIM 224100.
Cowden syndrome 7 (CWS7). Identifiers: Orphanet 201, MedGen C4225179, MONDO:0014802, OMIM 616858.

Submission:

Labcorp Genetics (formerly Invitae), Labcorp
Classification: Likely pathogenic for Congenital dyserythropoietic anemia, type II; Cowden syndrome 7. Last evaluated: 2024-02-09. Review status: criteria provided, single submitter. Criteria: Invitae Variant Classification Sherloc (09022015). Collection method: clinical testing. Allele origin: germline.
Comment: This sequence change affects a donor splice site in intron 9 of the SEC23B gene. It is expected to disrupt RNA splicing. Variants that disrupt the donor or acceptor splice site typically lead to a loss of protein function (PMID: 16199547), and loss-of-function variants in SEC23B are known to be pathogenic (PMID: 19561605, 25044164). This variant is not present in population databases (gnomAD no frequency). Disruption of this splice site has been observed in individual(s) with congenital dyserythropoietic anemia type II (PMID: 20941788). Algorithms developed to predict the effect of sequence changes on RNA splicing suggest that this variant may disrupt the consensus splice site. In summary, the currently available evidence indicates that the variant is pathogenic, but additional data are needed to prove that conclusively. Therefore, this variant has been classified as Likely Pathogenic.

Literature cited by the submitters: PubMed 16199547; PubMed 19561605; PubMed 25044164; PubMed 20941788.